The following is an entry in ClinVar:

NM_001040142.2(SCN2A):c.1519A>G (p.Lys507Glu)

Gene: SCN2A (sodium voltage-gated channel alpha subunit 2; plus strand). Cytogenetic location: 2q24.3.
Variant type: single nucleotide variant.
Coding change: c.1519A>G on transcript NM_001040142.2 (MANE Select); coding-DNA position 1519, A replaced by G.
Protein change: p.Lys507Glu; replaces lysine 507 with glutamic acid.
Molecular consequence: missense variant.
Genome position (GRCh38, 1-based): chr2:165,315,606, A>G. VCF-style: chr2-165315606-A-G. GRCh37 (hg19) VCF-style: chr2-166172116-A-G.
Other names: c.1519A>G, p.Lys507Glu (NM_001040143.2, NM_001371246.1, NM_001371247.1 and 1 more transcripts); short protein forms K507E.
Identifiers: ClinVar variation 1053243 (VCV001053243.12), dbSNP rs1553569649, ClinGen allele CA349023298.
Genomic context (GRCh38, chr2:165,315,606, plus strand): 5'-TCTTCAGTAGCATCTAAGTTGAGCTCCAAAAGTGAAAAAGAGCTGAAAAACAGAAGAAAG[A>G]AAAAGAAACAGAAAGAACAGTCTGGAGAAGAAGAGAAAAATGACAGAGTCCGAAAATCGG-3'
Protein context (NP_001035232.1, residues 497-517): SEKELKNRRK[Lys507Glu]KKQKEQSGEE

ClinVar aggregate classification (germline): Uncertain significance. Review status: criteria provided, multiple submitters, no conflicts (2 of 4 stars). 3 submissions from 3 submitters: Uncertain significance (3). Last evaluated 2022-11-15.

Conditions:
SCN2A-related disorder. Also called: SCN2A-related condition; SCN2A-related disorders. Identifiers: MedGen CN382226, MONDO:1060245.
Inborn genetic diseases. Identifiers: MedGen C0950123, MeSH D030342.
Developmental and epileptic encephalopathy, 11 (DEE11). Also called: Early infantile epileptic encephalopathy 11. Identifiers: Orphanet 1934, MedGen C3150987, MONDO:0013388, OMIM 613721.
Seizures, benign familial infantile, 3 (BFIS3). Also called: CONVULSIONS, BENIGN FAMILIAL INFANTILE, 3; Familial neonatal seizures. Identifiers: Orphanet 140927, Orphanet 306, MedGen C1843140, MONDO:0011904, OMIM 607745.

Allele frequency attached by ClinVar (database versions not stated): gnomAD exomes below 0.00001.
gnomAD v4.1: 1 of 1,614,066 alleles (0.000062%); highest among the groups gnomAD compares: Admixed American, 0.0017%; no homozygotes.

Submissions (3):

PreventionGenetics, part of Exact Sciences
Classification: Uncertain significance for SCN2A-related condition. Last evaluated: 2022-11-15. Review status: criteria provided, single submitter. Criteria: ACMG Guidelines, 2015. Collection method: clinical testing. Allele origin: germline.
Comment: The SCN2A c.1519A>G variant is predicted to result in the amino acid substitution p.Lys507Glu. To our knowledge, this variant has not been reported in the literature or in a large population database, indicating this variant is rare. At this time, the clinical significance of this variant is uncertain due to the absence of conclusive functional and genetic evidence.

Labcorp Genetics (formerly Invitae), Labcorp
Classification: Uncertain significance for Seizures, benign familial infantile, 3; Developmental and epileptic encephalopathy, 11. Last evaluated: 2020-07-16. Review status: criteria provided, single submitter. Criteria: Invitae Variant Classification Sherloc (09022015). Collection method: clinical testing. Allele origin: germline.
Comment: This sequence change replaces lysine with glutamic acid at codon 507 of the SCN2A protein (p.Lys507Glu). The lysine residue is highly conserved and there is a small physicochemical difference between lysine and glutamic acid. This variant is not present in population databases (ExAC no frequency). This variant has not been reported in the literature in individuals with SCN2A-related conditions. Algorithms developed to predict the effect of missense changes on protein structure and function are either unavailable or do not agree on the potential impact of this missense change (SIFT: "Deleterious"; PolyPhen-2: "Possibly Damaging"; Align-GVGD: "Class C0"). In summary, the available evidence is currently insufficient to determine the role of this variant in disease. Therefore, it has been classified as a Variant of Uncertain Significance.

Ambry Genetics
Classification: Uncertain significance for Inborn genetic diseases. Last evaluated: 2018-05-31. Review status: criteria provided, single submitter. Criteria: Ambry Variant Classification Scheme 2023. Collection method: clinical testing. Allele origin: germline.
Comment: The p.K507E variant (also known as c.1519A>G), located in coding exon 10 of the SCN2A gene, results from an A to G substitution at nucleotide position 1519. The lysine at codon 507 is replaced by glutamic acid, an amino acid with similar properties. This amino acid position is well conserved in available vertebrate species. In addition, the in silico prediction for this alteration is inconclusive. Since supporting evidence is limited at this time, the clinical significance of this alteration remains unclear.